The following is an entry in ClinVar:

NM_000178.4(GSS):c.125C>T (p.Ser42Leu)

Gene: GSS (glutathione synthetase; minus strand). Cytogenetic location: 20q11.22.
Variant type: single nucleotide variant.
Coding change: c.125C>T on transcript NM_000178.4 (MANE Select); coding-DNA position 125, C replaced by T.
Protein change: p.Ser42Leu; replaces serine 42 with leucine.
Molecular consequence: missense variant.
Genome position (GRCh38, 1-based): chr20:34,951,728, G>A on the plus strand (C>T on the coding strand, the complement: GSS is on the minus strand). VCF-style: chr20-34951728-G-A. GRCh37 (hg19) VCF-style: chr20-33539531-G-A.
Other names: c.125C>T, p.Ser42Leu (NM_001322494.1, NM_001322495.1); short protein forms S42L.
Identifiers: ClinVar variation 3893452 (VCV003893452.1).

ClinVar aggregate classification (germline): Uncertain significance (1 of 4 stars; one submission).

Submission:

GeneDx
Classification: Uncertain significance. Last evaluated: 2024-10-22. Review status: criteria provided, single submitter. Criteria: GeneDx Variant Classification Process June 2021. Collection method: clinical testing. Allele origin: germline. Affected: yes.
Comment: Not observed at significant frequency in large population cohorts (gnomAD); In silico analysis supports that this missense variant has a deleterious effect on protein structure/function; Has not been previously published as pathogenic or benign to our knowledge